The following is an entry in ClinVar:

NM_002234.4(KCNA5):c.760A>G (p.Ile254Val)

Gene: KCNA5 (potassium voltage-gated channel subfamily A member 5; plus strand). Cytogenetic location: 12p13.32.
Variant type: single nucleotide variant.
Coding change: c.760A>G on transcript NM_002234.4 (MANE Select); coding-DNA position 760, A replaced by G.
Protein change: p.Ile254Val; replaces isoleucine 254 with valine.
Molecular consequence: missense variant.
Genome position (GRCh38, 1-based): chr12:5,044,907, A>G. VCF-style: chr12-5044907-A-G. GRCh37 (hg19) VCF-style: chr12-5154073-A-G.
Other names: short protein forms I254V.
Identifiers: ClinVar variation 3660965 (VCV003660965.2).

ClinVar aggregate classification (germline): Uncertain significance (1 of 4 stars; one submission).

Conditions:
Atrial fibrillation, familial, 7 (ATFB7). Identifiers: MedGen C2677106, MONDO:0012828, OMIM 612240.

Submission:

Labcorp Genetics (formerly Invitae), Labcorp
Classification: Uncertain significance for Atrial fibrillation, familial, 7. Last evaluated: 2024-07-30. Review status: criteria provided, single submitter. Criteria: Invitae Variant Classification Sherloc (09022015). Collection method: clinical testing. Allele origin: germline.
Comment: This sequence change replaces isoleucine, which is neutral and non-polar, with valine, which is neutral and non-polar, at codon 254 of the KCNA5 protein (p.Ile254Val). This variant is not present in population databases (gnomAD no frequency). This variant has not been reported in the literature in individuals affected with KCNA5-related conditions. Advanced modeling of protein sequence and biophysical properties (such as structural, functional, and spatial information, amino acid conservation, physicochemical variation, residue mobility, and thermodynamic stability) performed at Invitae indicates that this missense variant is not expected to disrupt KCNA5 protein function with a negative predictive value of 80%. In summary, the available evidence is currently insufficient to determine the role of this variant in disease. Therefore, it has been classified as a Variant of Uncertain Significance.